The following is an entry in ClinVar:

NM_005982.4(SIX1):c.395A>G (p.Lys132Arg)

Gene: SIX1 (SIX homeobox 1; minus strand). Cytogenetic location: 14q23.1.
Variant type: single nucleotide variant.
Coding change: c.395A>G on transcript NM_005982.4 (MANE Select); coding-DNA position 395, A replaced by G.
Protein change: p.Lys132Arg; replaces lysine 132 with arginine.
Molecular consequence: missense variant.
Genome position (GRCh38, 1-based): chr14:60,648,795, T>C on the plus strand (A>G on the coding strand, the complement: SIX1 is on the minus strand). VCF-style: chr14-60648795-T-C. GRCh37 (hg19) VCF-style: chr14-61115513-T-C.
Other names: c.395A>G, p.Lys132Arg (NM_001425142.1); short protein forms K132R.
Identifiers: ClinVar variation 4536298 (VCV004536298.3).

ClinVar aggregate classification (germline): Uncertain significance. Review status: criteria provided, multiple submitters, no conflicts (2 of 4 stars). 3 submissions from 3 submitters: Uncertain significance (3). Last evaluated 2025-12-20.

Conditions:
Branchiootic syndrome 3 (BOS3). Also called: BO SYNDROME 3. Identifiers: MedGen C1842124, MONDO:0012025, OMIM 608389.
Autosomal dominant nonsyndromic hearing loss 23. Identifiers: Orphanet 90635, MedGen C1854594, MONDO:0011519, OMIM 605192.
Inborn genetic diseases. Identifiers: MedGen C0950123, MeSH D030342.

gnomAD v4.1: 7 of 1,614,212 alleles (0.00043%); highest among the groups gnomAD compares: Non-Finnish European, 0.00059%; no homozygotes.

Submissions (3):

Labcorp Genetics (formerly Invitae), Labcorp
Classification: Uncertain significance for Autosomal dominant nonsyndromic hearing loss 23; Branchiootic syndrome 3. Last evaluated: 2025-12-20. Review status: criteria provided, single submitter. Criteria: Invitae Variant Classification Sherloc (09022015). Collection method: clinical testing. Allele origin: germline.
Comment: This sequence change replaces lysine, which is basic and polar, with arginine, which is basic and polar, at codon 132 of the SIX1 protein (p.Lys132Arg). This variant is not present in population databases (gnomAD no frequency). This variant has not been reported in the literature in individuals affected with SIX1-related conditions. Invitae Evidence Modeling of protein sequence and biophysical properties (such as structural, functional, and spatial information, amino acid conservation, physicochemical variation, residue mobility, and thermodynamic stability) indicates that this missense variant is not expected to disrupt SIX1 protein function with a negative predictive value of 80%. In summary, the available evidence is currently insufficient to determine the role of this variant in disease. Therefore, it has been classified as a Variant of Uncertain Significance.

Ambry Genetics
Classification: Uncertain significance for Inborn genetic diseases. Last evaluated: 2025-10-07. Review status: criteria provided, single submitter. Criteria: Ambry Variant Classification Scheme 2023. Collection method: clinical testing. Allele origin: germline.

GeneDx
Classification: Uncertain significance. Last evaluated: 2025-06-02. Review status: criteria provided, single submitter. Criteria: GeneDx Variant Classification Process June 2021. Collection method: clinical testing. Allele origin: germline. Affected: yes.
Comment: Not observed at significant frequency in large population cohorts (gnomAD); In silico analysis supports that this missense variant has a deleterious effect on protein structure/function; Has not been previously published as pathogenic or benign to our knowledge